The following is an entry in ClinVar:

NM_002637.4(PHKA1):c.2756G>A (p.Arg919Gln)

Gene: PHKA1 (phosphorylase kinase regulatory subunit alpha 1; minus strand). Cytogenetic location: Xq13.1.
Variant type: single nucleotide variant.
Coding change: c.2756G>A on transcript NM_002637.4 (MANE Select); coding-DNA position 2756, G replaced by A.
Protein change: p.Arg919Gln; replaces arginine 919 with glutamine.
Molecular consequence: missense variant.
Genome position (GRCh38, 1-based): chrX:72,605,330, C>T on the plus strand (G>A on the coding strand, the complement: PHKA1 is on the minus strand). VCF-style: chrX-72605330-C-T. GRCh37 (hg19) VCF-style: chrX-71825180-C-T.
Other names: c.2756G>A, p.Arg919Gln (NM_001122670.2); c.2579G>A, p.Arg860Gln (NM_001172436.2); short protein forms R919Q, R860Q.
Identifiers: ClinVar variation 1983582 (VCV001983582.4), dbSNP rs1349683999, ClinGen allele CA413588896.

ClinVar aggregate classification (germline): Uncertain significance (1 of 4 stars; one submission).

Conditions:
Glycogen storage disease IXd (GSD9D). Also called: GSD IXd; Muscle Phosphorylase Kinase Deficiency. Identifiers: Orphanet 715, MedGen C1845151, MONDO:0010362, OMIM 300559.

gnomAD v4.1: 2 of 1,204,974 alleles (0.00017%); highest among the groups gnomAD compares: Non-Finnish European, 0.00022%; no homozygotes.

Submission:

Labcorp Genetics (formerly Invitae), Labcorp
Classification: Uncertain significance for Glycogen storage disease IXd. Last evaluated: 2025-05-19. Review status: criteria provided, single submitter. Criteria: Invitae Variant Classification Sherloc (09022015). Collection method: clinical testing. Allele origin: germline.
Comment: This sequence change replaces arginine, which is basic and polar, with glutamine, which is neutral and polar, at codon 919 of the PHKA1 protein (p.Arg919Gln). This variant is present in population databases (no rsID available, gnomAD 0.001%). This variant has not been reported in the literature in individuals affected with PHKA1-related conditions. ClinVar contains an entry for this variant (Variation ID: 1983582). Invitae Evidence Modeling of protein sequence and biophysical properties (such as structural, functional, and spatial information, amino acid conservation, physicochemical variation, residue mobility, and thermodynamic stability) indicates that this missense variant is expected to disrupt PHKA1 protein function with a positive predictive value of 80%. In summary, the available evidence is currently insufficient to determine the role of this variant in disease. Therefore, it has been classified as a Variant of Uncertain Significance.